The following is an entry in ClinVar:

NM_002458.3(MUC5B):c.8249C>T (p.Thr2750Ile)

Genes: MUC5B (mucin 5B, oligomeric mucus/gel-forming; plus strand), MUC5B-AS1 (MUC5B antisense RNA 1; minus strand). Cytogenetic location: 11p15.5.
Variant type: single nucleotide variant.
Coding change: c.8249C>T on transcript NM_002458.3 (MANE Select); coding-DNA position 8249, C replaced by T.
Protein change: p.Thr2750Ile; replaces threonine 2750 with isoleucine.
Molecular consequence: missense variant.
Genome position (GRCh38, 1-based): chr11:1,245,129, C>T. VCF-style: chr11-1245129-C-T. GRCh37 (hg19) VCF-style: chr11-1266359-C-T.
Other names: short protein forms T2750I.
Identifiers: ClinVar variation 3388376 (VCV003388376.14).

ClinVar aggregate classification (germline): Likely benign (1 of 4 stars; one submission).

Submission:

CeGaT Center for Human Genetics Tuebingen
Classification: Likely benign. Last evaluated: 2025-03-01. Review status: criteria provided, single submitter. Criteria: CeGaT Center For Human Genetics Tuebingen Variant Classification Criteria Version 2. Collection method: clinical testing. Allele origin: germline. Affected: yes. Observed: 2 variant alleles.
Comment: MUC5B: BP4, BS1